The following is an entry in ClinVar:

ClinVar aggregate classification (germline): Pathogenic (1 of 4 stars; one submission).

Conditions:
Lynch syndrome 5 (LYNCH5). Also called: Colorectal cancer, hereditary nonpolyposis, type 5; Hereditary non-polyposis colorectal cancer, type 5. Identifiers: Orphanet 144, MedGen C1833477, MONDO:0013710, OMIM 614350. Disease mechanism: loss of function.

Submission:

Myriad Genetics, Inc.
Classification: Pathogenic for Lynch syndrome 5. Last evaluated: 2023-11-21. Review status: criteria provided, single submitter. Criteria: Myriad Autosomal Dominant, Autosomal Recessive and X-Linked Classification Criteria (2023). Collection method: clinical testing. Allele origin: unknown.
Comment: This variant is considered pathogenic. This variant creates a frameshift predicted to result in premature protein truncation.

NM_000179.3(MSH6):c.2615_2616del (p.Ile872fs)

Gene: MSH6 (mutS homolog 6; plus strand). Cytogenetic location: 2p16.3.
Variant type: Microsatellite.
Coding change: c.2615_2616del on transcript NM_000179.3 (MANE Select); coding-DNA positions 2615 to 2616, 2 bases deleted (TA; older notation c.2615_2616delTA).
Protein change: p.Ile872fs; shifts the reading frame from isoleucine 872.
Molecular consequence: frameshift variant. On other transcripts: non-coding transcript variant (5), intron variant (3).
Genome position (GRCh38, 1-based): chr2:47,800,598-47,800,599, TA deleted; deleting any 2 consecutive bases within chr2:47,800,596-47,800,599 gives the same sequence; the c. name uses the placement nearest the transcript's 3' end. VCF-style (leftmost placement, unchanged base first): chr2-47800595-TTA-T. GRCh37 (hg19) VCF-style: chr2-48027734-TTA-T.
Other names: c.2225_2226del, p.Ile742fs (NM_001281492.2); c.1709_1710del, p.Ile570fs (NM_001281493.2, NM_001281494.2, NM_001406811.1 and 6 more transcripts); c.2711_2712del, p.Ile904fs (NM_001406795.1, NM_001406802.1); c.2615_2616del, p.Ile872fs (NM_001406796.1, NM_001406798.1, NM_001406800.1 and 2 more transcripts); c.2318_2319del, p.Ile773fs (NM_001406797.1, NM_001406801.1, NM_001406805.1 and 10 more transcripts); c.2090_2091del, p.Ile697fs (NM_001406799.1, NM_001406806.1, NM_001406807.1); c.2537_2538del, p.Ile846fs (NM_001406804.1); c.2621_2622del, p.Ile874fs (NM_001406813.1); and 4 more; short protein forms I570fs, I697fs, I742fs, I773fs, I816fs, I846fs, I872fs, I874fs.
Identifiers: ClinVar variation 2674014 (VCV002674014.1), dbSNP rs2530683097, ClinGen allele CA2695200559.